The following is an entry in ClinVar:

ClinVar aggregate classification (germline): Likely pathogenic (1 of 4 stars; one submission).

Conditions:
Intellectual disability, autosomal recessive 53 (NEDHSCA). Also called: GLYCOSYLPHOSPHATIDYLINOSITOL BIOSYNTHESIS DEFECT 13; Mental retardation, autosomal recessive 53; NEURODEVELOPMENTAL DISORDER WITH OR WITHOUT HYPOTONIA, SEIZURES, AND CEREBELLAR ATROPHY. Identifiers: Orphanet 488635, MedGen C4310794, MONDO:0014832, OMIM 616917.

gnomAD v4.1: 4 of 1,613,674 alleles (0.00025%); highest among the groups gnomAD compares: Non-Finnish European, 0.00034%; no homozygotes.

Submission:

Labcorp Genetics (formerly Invitae), Labcorp
Classification: Likely pathogenic for Intellectual disability, autosomal recessive 53. Last evaluated: 2024-02-10. Review status: criteria provided, single submitter. Criteria: Invitae Variant Classification Sherloc (09022015). Collection method: clinical testing. Allele origin: germline.
Comment: This sequence change affects an acceptor splice site in intron 4 of the PIGG gene. It is expected to disrupt RNA splicing. Variants that disrupt the donor or acceptor splice site typically lead to a loss of protein function (PMID: 16199547), and loss-of-function variants in PIGG are known to be pathogenic (PMID: 26996948, 28581210, 28771251). This variant is present in population databases (no rsID available, gnomAD 0.007%). This variant has not been reported in the literature in individuals affected with PIGG-related conditions. Algorithms developed to predict the effect of sequence changes on RNA splicing suggest that this variant may disrupt the consensus splice site. In summary, the currently available evidence indicates that the variant is pathogenic, but additional data are needed to prove that conclusively. Therefore, this variant has been classified as Likely Pathogenic.

Literature cited by the submitters: PubMed 16199547; PubMed 26996948; PubMed 28581210; PubMed 28771251.

NM_001127178.3(PIGG):c.760-2A>G

Gene: PIGG (phosphatidylinositol glycan anchor biosynthesis class G (EMM blood group); plus strand). Cytogenetic location: 4p16.3.
Variant type: single nucleotide variant.
Coding change: c.760-2A>G on transcript NM_001127178.3 (MANE Select); the canonical splice acceptor site of the intron before coding-DNA position 760, A replaced by G.
Molecular consequence: splice acceptor variant. On other transcripts: intron variant (1).
Genome position (GRCh38, 1-based): chr4:508,827, A>G. VCF-style: chr4-508827-A-G. GRCh37 (hg19) VCF-style: chr4-502616-A-G.
Other names: c.-453-2A>G (NM_001345994.2); c.493-2A>G (NM_001345986.2, NM_001345987.2, NM_001289051.2 and 2 more transcripts); c.-728-2A>G (NM_001345991.2); c.-129+1234A>G (NM_001345988.2); c.-866-2A>G (NM_001345990.2); c.760-2A>G (NM_017733.5, NM_001345989.2); c.361-2A>G (NM_001289052.2); c.394-2A>G (NM_001289055.2).
Identifiers: ClinVar variation 3699105 (VCV003699105.2).
Genomic context (GRCh38, chr4:508,827, plus strand): 5'-CTTAAGATGATGTGCTCTCTTCAGTCTGAACGCAGTTGAAATGTTTTTCCTTTGCCTTAA[A>G]GGAGAGAGAGACGCCTTTACCCAATTTGCTGGTTCTTTGTGGTGACCATGGCATGTCTGA-3'